The following is an entry in ClinVar:

NM_032608.7(MYO18B):c.7615G>A (p.Glu2539Lys)

Gene: MYO18B (myosin XVIIIB; plus strand). Cytogenetic location: 22q12.1.
Variant type: single nucleotide variant.
Coding change: c.7615G>A on transcript NM_032608.7 (MANE Select); coding-DNA position 7615, G replaced by A.
Protein change: p.Glu2539Lys; replaces glutamic acid 2539 with lysine.
Molecular consequence: missense variant.
Genome position (GRCh38, 1-based): chr22:26,027,589, G>A. VCF-style: chr22-26027589-G-A. GRCh37 (hg19) VCF-style: chr22-26423555-G-A.
Other names: c.7618G>A, p.Glu2540Lys (NM_001318245.2); short protein forms E2540K, E2539K.
Identifiers: ClinVar variation 1903410 (VCV001903410.2), dbSNP rs978117915, ClinGen allele CA322816390.

ClinVar aggregate classification (germline): Uncertain significance (1 of 4 stars; one submission).

Allele frequency attached by ClinVar (database versions not stated): gnomAD exomes below 0.00001.
gnomAD v4.1: 5 of 1,613,958 alleles (0.00031%); highest among the groups gnomAD compares: Admixed American, 0.0017%; no homozygotes.

Submission:

Labcorp Genetics (formerly Invitae), Labcorp
Classification: Uncertain significance. Last evaluated: 2022-08-12. Review status: criteria provided, single submitter. Criteria: Invitae Variant Classification Sherloc (09022015). Collection method: clinical testing. Allele origin: germline.
Comment: This sequence change replaces glutamic acid, which is acidic and polar, with lysine, which is basic and polar, at codon 2539 of the MYO18B protein (p.Glu2539Lys). This variant is present in population databases (no rsID available, gnomAD 0.003%). This variant has not been reported in the literature in individuals affected with MYO18B-related conditions. Algorithms developed to predict the effect of missense changes on protein structure and function are either unavailable or do not agree on the potential impact of this missense change (SIFT: "Not Available"; PolyPhen-2: "Benign"; Align-GVGD: "Not Available"). In summary, the available evidence is currently insufficient to determine the role of this variant in disease. Therefore, it has been classified as a Variant of Uncertain Significance.